The following is an entry in ClinVar:

ClinVar aggregate classification (germline): Pathogenic (1 of 4 stars; one submission).

Submission:

Labcorp Genetics (formerly Invitae), Labcorp
Classification: Pathogenic. Last evaluated: 2023-09-03. Review status: criteria provided, single submitter. Criteria: Invitae Variant Classification Sherloc (09022015). Collection method: clinical testing. Allele origin: germline.
Comment: This sequence change creates a premature translational stop signal (p.Tyr378*) in the VLDLR gene. It is expected to result in an absent or disrupted protein product. Loss-of-function variants in VLDLR are known to be pathogenic (PMID: 18043714, 18326629, 22532556). This variant is not present in population databases (gnomAD no frequency). This variant has not been reported in the literature in individuals affected with VLDLR-related conditions. Algorithms developed to predict the effect of sequence changes on RNA splicing suggest that this variant may disrupt the consensus splice site. For these reasons, this variant has been classified as Pathogenic.

Literature cited by the submitters: PubMed 18043714; PubMed 18326629; PubMed 22532556.

NM_003383.5(VLDLR):c.1134C>A (p.Tyr378Ter)

Gene: VLDLR (very low density lipoprotein receptor; plus strand). Cytogenetic location: 9p24.2.
Variant type: single nucleotide variant.
Coding change: c.1134C>A on transcript NM_003383.5 (MANE Select); coding-DNA position 1134, C replaced by A.
Protein change: p.Tyr378Ter; replaces tyrosine 378 with a stop codon.
Molecular consequence: nonsense.
Genome position (GRCh38, 1-based): chr9:2,644,801, C>A. VCF-style: chr9-2644801-C-A. GRCh37 (hg19) VCF-style: chr9-2644801-C-A.
Other names: c.1134C>A, p.Tyr378Ter (NM_001018056.3); c.1011C>A, p.Tyr337Ter (NM_001322225.2, NM_001322226.2); short protein forms Y337*, Y378*.
Identifiers: ClinVar variation 2908853 (VCV002908853.3), dbSNP rs757143381, ClinGen allele CA372793503.